The following is an entry in ClinVar:

ClinVar aggregate classification (germline): Likely pathogenic (1 of 4 stars; one submission).

Conditions:
ERBB3-related disorder. Also called: ERBB3-related condition.

gnomAD v4.1: 1 of 1,614,052 alleles (0.000062%); highest among the groups gnomAD compares: Non-Finnish European, 0.000085%; no homozygotes.

Submission:

PreventionGenetics, part of Exact Sciences
Classification: Likely pathogenic for ERBB3-related condition. Last evaluated: 2026-08-11. Review status: criteria provided, single submitter. Criteria: ACMG Guidelines, 2015. Collection method: clinical testing. Allele origin: germline.
Comment: The ERBB3 c.607C>T variant is predicted to result in premature protein termination (p.Gln203*). To our knowledge, this variant has not been reported in the literature. This variant is absent in a large population database (gnomAD), indicating this variant is rare. Nonsense variants in ERBB3 are an established mechanism of autosomal recessive disease. This variant is interpreted as likely pathogenic.

NM_001982.4(ERBB3):c.607C>T (p.Gln203Ter)

Gene: ERBB3 (erb-b2 receptor tyrosine kinase 3; plus strand). Cytogenetic location: 12q13.2.
Variant type: single nucleotide variant.
Coding change: c.607C>T on transcript NM_001982.4 (MANE Select); coding-DNA position 607, C replaced by T.
Protein change: p.Gln203Ter; replaces glutamine 203 with a stop codon.
Molecular consequence: nonsense.
Genome position (GRCh38, 1-based): chr12:56,087,636, C>T. VCF-style: chr12-56087636-C-T. GRCh37 (hg19) VCF-style: chr12-56481420-C-T.
Other names: short protein forms Q203*.
Identifiers: ClinVar variation 4994710 (VCV004994710.1).